The following is an entry in ClinVar:

ClinVar aggregate classification (germline): Benign/Likely benign. Review status: criteria provided, multiple submitters, no conflicts (2 of 4 stars). 9 submissions from 9 submitters: Benign (2); Likely benign (5). 2 of the submissions do not count toward it. Last evaluated 2026-01-13.

Conditions:
ATM-related disorder. Also called: ATM-related disorders; ATM-related condition.
Hereditary cancer-predisposing syndrome. Also called: Tumor predisposition; Neoplastic Syndromes, Hereditary; Hereditary Cancer Syndrome; Hereditary neoplastic syndrome. Identifiers: Orphanet 140162, MedGen C0027672, MeSH D009386, MONDO:0015356.
Familial cancer of breast. Also called: hereditary breast carcinoma; BREAST CANCER, FAMILIAL; Hereditary breast cancer. Identifiers: Orphanet 227535, MedGen C0346153, MONDO:0016419, OMIM 114480. Disease mechanism: loss of function.
Ataxia-telangiectasia syndrome (AT). Also called: LOUIS-BAR SYNDROME; Ataxia-telangiectasia, complementation group D; Ataxia telangiectasia (A-T); AT, COMPLEMENTATION GROUP C; ATAXIA-TELANGIECTASIA, COMPLEMENTATION GROUP A; ATAXIA-TELANGIECTASIA, FRESNO VARIANT. Identifiers: Orphanet 100, MedGen C0004135, MONDO:0008840, OMIM 208900.

Allele frequency attached by ClinVar (database versions not stated): ExAC 0.00001; gnomAD 0.00001; gnomAD exomes 0.00001; TOPMed 0.00001.
gnomAD v4.1: 19 of 1,613,912 alleles (0.0012%); highest among the groups gnomAD compares: African/African-American, 0.0027%; no homozygotes.

Submissions (9):

Labcorp Genetics (formerly Invitae), Labcorp
Classification: Likely benign for Ataxia-telangiectasia syndrome. Last evaluated: 2026-01-13. Review status: criteria provided, single submitter. Criteria: Invitae Variant Classification Sherloc (09022015). Collection method: clinical testing. Allele origin: germline.

Myriad Genetics, Inc.
Classification: Benign for Familial cancer of breast. Last evaluated: 2024-05-09. Review status: criteria provided, single submitter. Criteria: Myriad Autosomal Dominant, Autosomal Recessive and X-Linked Classification Criteria (2023). Collection method: clinical testing. Allele origin: unknown.
Comment: This variant is considered benign. This variant is a silent/synonymous amino acid change and it is not expected to impact splicing.

Women's Health and Genetics/Laboratory Corporation of America, LabCorp
Classification: Likely benign. Last evaluated: 2019-08-20. Review status: criteria provided, single submitter. Criteria: LabCorp Variant Classification Summary - May 2015. Collection method: clinical testing. Allele origin: germline.

CeGaT Center for Human Genetics Tuebingen
Classification: Likely benign. Last evaluated: 2019-01-01. Review status: criteria provided, single submitter. Criteria: CeGaT Center For Human Genetics Tuebingen Variant Classification Criteria Version 2. Collection method: clinical testing. Allele origin: germline. Affected: yes. Observed: 1 variant allele.

Color Diagnostics, LLC DBA Color Health
Classification: Likely benign for Hereditary cancer-predisposing syndrome. Last evaluated: 2017-12-11. Review status: criteria provided, single submitter. Criteria: ACMG Guidelines, 2015. Collection method: clinical testing. Allele origin: germline.

Ambry Genetics
Classification: Likely benign for Hereditary cancer-predisposing syndrome. Last evaluated: 2015-08-05. Review status: criteria provided, single submitter. Criteria: Ambry Variant Classification Scheme 2023. Collection method: clinical testing. Allele origin: germline.

GeneDx
Classification: Benign. Last evaluated: 2014-09-26. Review status: criteria provided, single submitter. Criteria: GeneDx Variant Classification (06012015). Collection method: clinical testing. Allele origin: germline. Affected: yes.
Comment: This variant is considered likely benign or benign based on one or more of the following criteria: it is a conservative change, it occurs at a poorly conserved position in the protein, it is predicted to be benign by multiple in silico algorithms, and/or has population frequency not consistent with disease.

PreventionGenetics, part of Exact Sciences
Classification: Likely benign for ATM-related condition. Last evaluated: 2024-07-23. Review status: no assertion criteria provided. Collection method: clinical testing. Allele origin: germline. Not counted in ClinVar's aggregate classification.
Comment: This variant is classified as likely benign based on ACMG/AMP sequence variant interpretation guidelines (Richards et al. 2015 PMID: 25741868, with internal and published modifications).

Natera, Inc.
Classification: Likely benign for Ataxia-telangiectasia. Last evaluated: 2020-04-17. Review status: no assertion criteria provided. Collection method: clinical testing. Allele origin: germline. Not counted in ClinVar's aggregate classification.

NM_000051.4(ATM):c.2577C>T (p.Asn859=)

Gene: ATM (ATM serine/threonine kinase; plus strand). Cytogenetic location: 11q22.3.
Variant type: single nucleotide variant.
Coding change: c.2577C>T on transcript NM_000051.4 (MANE Select); coding-DNA position 2577, C replaced by T.
Protein change: p.Asn859=; no amino-acid change (asparagine 859 retained).
Molecular consequence: synonymous variant.
Genome position (GRCh38, 1-based): chr11:108,267,281, C>T. VCF-style: chr11-108267281-C-T. GRCh37 (hg19) VCF-style: chr11-108138008-C-T.
Other names: p.N859N:AAC>AAT; c.2577C>T, p.Asn859= (NM_001351834.2).
Identifiers: ClinVar variation 181853 (VCV000181853.63), dbSNP rs730881286, ClinGen allele CA297993.